The following is an entry in ClinVar:

NM_001561.6(TNFRSF9):c.567CTT[1] (p.Phe191del)

Gene: TNFRSF9 (TNF receptor superfamily member 9; minus strand). Cytogenetic location: 1p36.23.
Variant type: Microsatellite.
Coding change: c.567CTT[1] on transcript NM_001561.6 (MANE Select); one copy of the 3-base unit CTT starting at c.567; the reference has two copies in a row; one copy, 3 bases deleted.
Protein change: p.Phe191del; deletes phenylalanine 191.
Molecular consequence: inframe deletion.
Genome position (GRCh38, 1-based): chr1:7,933,269-7,933,271, AAG deleted on the plus strand (CTT on the coding strand, the reverse complement: TNFRSF9 is on the minus strand); deleting any 3 consecutive bases within chr1:7,933,269-7,933,274 gives the same sequence; the position shown is the placement nearest the transcript's 3' end. VCF-style (leftmost placement, unchanged base first): chr1-7933268-AAAG-A. GRCh37 (hg19) VCF-style: chr1-7993328-AAAG-A.
Other names: short protein forms F191del.
Identifiers: ClinVar variation 1388641 (VCV001388641.6), dbSNP rs753979152, ClinGen allele CA569165.

ClinVar aggregate classification (germline): Uncertain significance (1 of 4 stars; one submission).

Submission:

Labcorp Genetics (formerly Invitae), Labcorp
Classification: Uncertain significance. Last evaluated: 2022-09-27. Review status: criteria provided, single submitter. Criteria: Invitae Variant Classification Sherloc (09022015). Collection method: clinical testing. Allele origin: germline.
Comment: In summary, the available evidence is currently insufficient to determine the role of this variant in disease. Therefore, it has been classified as a Variant of Uncertain Significance. Experimental studies and prediction algorithms are not available or were not evaluated, and the functional significance of this variant is currently unknown. This variant has not been reported in the literature in individuals affected with TNFRSF9-related conditions. This variant is present in population databases (rs753979152, gnomAD 0.01%). This variant, c.570_572del, results in the deletion of 1 amino acid(s) of the TNFRSF9 protein (p.Phe191del), but otherwise preserves the integrity of the reading frame.